The following is an entry in ClinVar:

ClinVar aggregate classification (germline): Pathogenic (1 of 4 stars; one submission).

Conditions:
DICER1-related tumor predisposition. Also called: DICER1 syndrome; DICER1-related pleuropulmonary blastoma cancer predisposition syndrome. Identifiers: Orphanet 284343, MedGen C3839822, MONDO:0100216.

Submission:

Myriad Genetics, Inc.
Classification: Pathogenic for DICER1-related tumor predisposition. Last evaluated: 2026-07-22. Review status: criteria provided, single submitter. Criteria: Myriad Autosomal Dominant, Autosomal Recessive and X-Linked Classification Criteria (2023). Collection method: clinical testing. Allele origin: unknown.
Comment: This variant is considered pathogenic. This variant creates a termination codon and is predicted to result in premature protein truncation.

NM_177438.3(DICER1):c.3755C>G (p.Ser1252Ter)

Gene: DICER1 (dicer 1, ribonuclease III; minus strand). Cytogenetic location: 14q32.13.
Variant type: single nucleotide variant.
Coding change: c.3755C>G on transcript NM_177438.3 (MANE Select); coding-DNA position 3755, C replaced by G.
Protein change: p.Ser1252Ter; replaces serine 1252 with a stop codon.
Molecular consequence: nonsense. On other transcripts: non-coding transcript variant (6).
Genome position (GRCh38, 1-based): chr14:95,103,641, G>C on the plus strand (C>G on the coding strand, the complement: DICER1 is on the minus strand). VCF-style: chr14-95103641-G-C. GRCh37 (hg19) VCF-style: chr14-95569978-G-C.
Other names: c.3755C>G, p.Ser1252Ter (NM_001195573.1, NM_001271282.3, NM_001291628.2 and 12 more transcripts); c.3473C>G, p.Ser1158Ter (NM_001395686.1); c.3350C>G, p.Ser1117Ter (NM_001395687.1, NM_001395688.1, NM_001395689.1 and 2 more transcripts); c.3188C>G, p.Ser1063Ter (NM_001395691.1); c.2072C>G, p.Ser691Ter (NM_001395697.1); short protein forms S1063*, S1117*, S1158*, S1252*, S691*.
Identifiers: ClinVar variation 5042221 (VCV005042221.1).
Genomic context (GRCh38, chr14:95,103,641, plus strand): 5'-TTGAGCACTTGAATAGTGTCTGTCGTACCAGGCATTACGGCCATCACAGGACTTCCATCT[G>C]AGGTAGATTTGTTAGCATTTCCATCAAGGTATTTATTACTCAGGAGAGTACATTCATCGC-3'